The following is an entry in ClinVar:

ClinVar aggregate classification (germline): Uncertain significance. Review status: criteria provided, multiple submitters, no conflicts (2 of 4 stars). 2 submissions from 2 submitters: Uncertain significance (2). Last evaluated 2025-09-03.

Conditions:
Inborn genetic diseases. Identifiers: MedGen C0950123, MeSH D030342.

gnomAD v4.1: 4 of 1,613,902 alleles (0.00025%); highest among the groups gnomAD compares: South Asian, 0.0044%; no homozygotes.

Submissions (2):

Labcorp Genetics (formerly Invitae), Labcorp
Classification: Uncertain significance. Last evaluated: 2025-09-03. Review status: criteria provided, single submitter. Criteria: Invitae Variant Classification Sherloc (09022015). Collection method: clinical testing. Allele origin: germline.
Comment: This sequence change replaces asparagine, which is neutral and polar, with isoleucine, which is neutral and non-polar, at codon 1711 of the CACNA1D protein (p.Asn1711Ile). This variant is not present in population databases (gnomAD no frequency). This variant has not been reported in the literature in individuals affected with CACNA1D-related conditions. ClinVar contains an entry for this variant (Variation ID: 2230577). An algorithm developed to predict the effect of missense changes on protein structure and function (PolyPhen-2) suggests that this variant is likely to be tolerated. In summary, the available evidence is currently insufficient to determine the role of this variant in disease. Therefore, it has been classified as a Variant of Uncertain Significance.

Ambry Genetics
Classification: Uncertain significance for Inborn genetic diseases. Last evaluated: 2021-04-29. Review status: criteria provided, single submitter. Criteria: Ambry Variant Classification Scheme 2023. Collection method: clinical testing. Allele origin: germline.

NM_001128840.3(CACNA1D):c.5072A>T (p.Asn1691Ile)

Gene: CACNA1D (calcium voltage-gated channel subunit alpha1 D; plus strand). Cytogenetic location: 3p21.1.
Variant type: single nucleotide variant.
Coding change: c.5072A>T on transcript NM_001128840.3 (MANE Select); coding-DNA position 5072, A replaced by T.
Protein change: p.Asn1691Ile; replaces asparagine 1691 with isoleucine.
Molecular consequence: missense variant.
Genome position (GRCh38, 1-based): chr3:53,801,089, A>T. VCF-style: chr3-53801089-A-T. GRCh37 (hg19) VCF-style: chr3-53835116-A-T.
Other names: c.5132A>T (NM_000720.2); c.5132A>T, p.Asn1711Ile (NM_000720.4); c.5027A>T, p.Asn1676Ile (NM_001128839.3); short protein forms N1676I, N1691I, N1711I.
Identifiers: ClinVar variation 2230577 (VCV002230577.8), dbSNP rs200018653, ClinGen allele CA74859832.